The following is an entry in ClinVar:

ClinVar aggregate classification (germline): Uncertain significance (1 of 4 stars; one submission).

gnomAD v4.1: 1 of 1,610,542 alleles (0.000062%); highest among the groups gnomAD compares: Admixed American, 0.0017%; no homozygotes.

Submission:

Labcorp Genetics (formerly Invitae), Labcorp
Classification: Uncertain significance. Last evaluated: 2024-12-06. Review status: criteria provided, single submitter. Criteria: Invitae Variant Classification Sherloc (09022015). Collection method: clinical testing. Allele origin: germline.
Comment: This sequence change replaces leucine, which is neutral and non-polar, with isoleucine, which is neutral and non-polar, at codon 520 of the KRT5 protein (p.Leu520Ile). This variant is not present in population databases (gnomAD no frequency). This variant has not been reported in the literature in individuals affected with KRT5-related conditions. Invitae Evidence Modeling of protein sequence and biophysical properties (such as structural, functional, and spatial information, amino acid conservation, physicochemical variation, residue mobility, and thermodynamic stability) indicates that this missense variant is not expected to disrupt KRT5 protein function with a negative predictive value of 95%. In summary, the available evidence is currently insufficient to determine the role of this variant in disease. Therefore, it has been classified as a Variant of Uncertain Significance.

NM_000424.4(KRT5):c.1558C>A (p.Leu520Ile)

Gene: KRT5 (keratin 5; minus strand). Cytogenetic location: 12q13.13.
Variant type: single nucleotide variant.
Coding change: c.1558C>A on transcript NM_000424.4 (MANE Select); coding-DNA position 1558, C replaced by A.
Protein change: p.Leu520Ile; replaces leucine 520 with isoleucine.
Molecular consequence: missense variant.
Genome position (GRCh38, 1-based): chr12:52,515,157, G>T on the plus strand (C>A on the coding strand, the complement: KRT5 is on the minus strand). VCF-style: chr12-52515157-G-T. GRCh37 (hg19) VCF-style: chr12-52908941-G-T.
Other names: short protein forms L520I.
Identifiers: ClinVar variation 3611996 (VCV003611996.2).